The following is an entry in ClinVar:

NC_000020.10:g.(?_34021707)_(34067990_?)dup

Genes: CEP250 (centrosomal protein 250; plus strand), GDF5 (growth differentiation factor 5; minus strand), GDF5-AS1 (GDF5 antisense RNA 1; plus strand). Cytogenetic location: 20q11.22.
Variant type: Duplication.
Identifiers: ClinVar variation 2425693 (VCV002425693.4).

ClinVar aggregate classification (germline): Uncertain significance (1 of 4 stars; one submission).

Submission:

Labcorp Genetics (formerly Invitae), Labcorp
Classification: Uncertain significance. Last evaluated: 2022-03-28. Review status: criteria provided, single submitter. Criteria: Invitae Variant Classification Sherloc (09022015). Collection method: clinical testing. Allele origin: germline.
Comment: This variant has not been reported in the literature in individuals affected with CEP250-related conditions. This variant results in a copy number gain of the genomic region encompassing exon(s) 1-20 of the CEP250 gene. This region includes the initiator codon of the gene. This copy number gain extends beyond the assayed region for this gene and therefore may encompass additional genes. As the precise location of this event is unknown, it may be in tandem or it may be located elsewhere in the genome. Experimental studies and prediction algorithms are not available or were not evaluated, and the functional significance of this variant is currently unknown. In summary, the available evidence is currently insufficient to determine the role of this variant in disease. Therefore, it has been classified as a Variant of Uncertain Significance.